The following is an entry in ClinVar:

ClinVar aggregate classification (germline): Pathogenic (1 of 4 stars; one submission).

Conditions:
Familial thoracic aortic aneurysm and aortic dissection (TAAD). Also called: Thoracic aortic aneurysms and dissections. Identifiers: Orphanet 91387, MedGen C4707243, MONDO:0019625.
Marfan syndrome (MFS). Also called: FBN1-Related Marfan Syndrome; Marfan syndrome type 1; Marfan's syndrome; Marfan syndrome, classic; MARFAN SYNDROME, TYPE I. Identifiers: Orphanet 284963, Orphanet 558, MedGen C0024796, MONDO:0007947, OMIM 154700.

Submission:

Labcorp Genetics (formerly Invitae), Labcorp
Classification: Pathogenic for Marfan syndrome; Familial thoracic aortic aneurysm and aortic dissection. Last evaluated: 2018-10-21. Review status: criteria provided, single submitter. Criteria: Invitae Variant Classification Sherloc (09022015). Collection method: clinical testing. Allele origin: germline.
Comment: For these reasons, this variant has been classified as Pathogenic. Loss-of-function variants in FBN1 are known to be pathogenic (PMID: 17657824, 19293843). This variant is not present in population databases (ExAC no frequency). This sequence change creates a premature translational stop signal (p.Cys513Leufs*20) in the FBN1 gene. It is expected to result in an absent or disrupted protein product.

Literature cited by the submitters: PubMed 17657824; PubMed 19293843.

NM_000138.5(FBN1):c.1537dup (p.Cys513fs)

Gene: FBN1 (fibrillin 1; minus strand). Cytogenetic location: 15q21.1.
Variant type: Duplication.
Coding change: c.1537dup on transcript NM_000138.5 (MANE Select); coding-DNA position 1537, one base duplicated (T; older notation c.1537dupT).
Protein change: p.Cys513fs; shifts the reading frame from cysteine 513.
Molecular consequence: frameshift variant.
Genome position (GRCh38, 1-based): chr15:48,513,600, A duplicated on the plus strand (T on the coding strand, the reverse complement: FBN1 is on the minus strand). VCF-style (leftmost placement, unchanged base first): chr15-48513599-C-CA. GRCh37 (hg19) VCF-style: chr15-48805796-C-CA.
Other names: c.1537dupT (NM_000138.4); short protein forms C513fs.
Identifiers: ClinVar variation 662516 (VCV000662516.8), dbSNP rs1597579948, ClinGen allele CA915946605.
Genomic context (GRCh38, chr15:48,513,599, plus strand): 5'-AGGACCATACCTCGGCATTCTGTCCGCGTGAGTGTGCTCTGATATCCAGCTCGGCACTGA[C>CA]AGGTGTACGAACCCTGGTTGTTAATACACTCACCACCAGCACAGGGGTTTTTCTCACATT-3'